The following is an entry in ClinVar:

ClinVar aggregate classification (germline): Uncertain significance (1 of 4 stars; one submission).

Conditions:
Idiopathic generalized epilepsy. Also called: Generalised epilepsy; EIG. Identifiers: MedGen C0270850, MONDO:0005579, OMIM 600669.

Submission:

Labcorp Genetics (formerly Invitae), Labcorp
Classification: Uncertain significance for Idiopathic generalized epilepsy. Last evaluated: 2023-03-20. Review status: criteria provided, single submitter. Criteria: Invitae Variant Classification Sherloc (09022015). Collection method: clinical testing. Allele origin: germline.
Comment: This variant is not present in population databases (gnomAD no frequency). This sequence change creates a premature translational stop signal (p.Asn31Serfs*6) in the RBFOX1 gene. It is expected to result in an absent or disrupted protein product. However, the current clinical and genetic evidence is not sufficient to establish whether loss-of-function variants in RBFOX1 cause disease. This variant has not been reported in the literature in individuals affected with RBFOX1-related conditions. In summary, the available evidence is currently insufficient to determine the role of this variant in disease. Therefore, it has been classified as a Variant of Uncertain Significance. Algorithms developed to predict the effect of sequence changes on RNA splicing suggest that this variant may disrupt the consensus splice site.

NM_018723.4(RBFOX1):c.30_37del (p.Asn11fs)

Gene: RBFOX1 (RNA binding fox-1 homolog 1; plus strand). Cytogenetic location: 16p13.3.
Variant type: Deletion.
Coding change: c.30_37del on transcript NM_018723.4 (MANE Select); coding-DNA positions 30 to 37, 8 bases deleted (TAATCAGG; older notation c.30_37delTAATCAGG).
Protein change: p.Asn11fs; shifts the reading frame from asparagine 11.
Molecular consequence: frameshift variant.
Genome position (GRCh38, 1-based): chr16:7,518,149-7,518,156, TAATCAGG deleted; deleting any 8 consecutive bases within chr16:7,518,147-7,518,156 gives the same sequence; the c. name uses the placement nearest the transcript's 3' end. VCF-style (leftmost placement, unchanged base first): chr16-7518146-GGGTAATCA-G. GRCh37 (hg19) VCF-style: chr16-7568148-GGGTAATCA-G.
Other names: c.159_166del, p.Asn54fs (NM_001415907.1, NM_001415908.1, NM_001411047.1 and 5 more transcripts); c.30_37del, p.Asn11fs (NM_001364800.2, NM_001142333.2, NM_001142334.2 and 1 more transcripts); c.627_634del, p.Asn210fs (NM_001415887.1, NM_001415888.1); c.138_145del, p.Asn47fs (NM_001415889.1, NM_001415892.1, NM_001415894.1 and 5 more transcripts); c.105_112del, p.Asn36fs (NM_001415890.1, NM_001415893.1, NM_001415899.1 and 4 more transcripts); c.90_97del, p.Asn31fs (NM_001415896.1, NM_001415904.1, NM_001415906.1 and 4 more transcripts); c.36_43del, p.Asn13fs (NM_001415902.1, NM_001415911.1, NM_001415917.1); short protein forms N11fs, N210fs, N31fs, N36fs, N13fs, N54fs, N47fs.
Identifiers: ClinVar variation 2847968 (VCV002847968.3), dbSNP rs2548519672, ClinGen allele CA2739266591.
Genomic context (GRCh38, chr16:7,518,146, plus strand): 5'-GTTTCTGCATGGTGGCTCCTCATGACGTTCTCTCCCTCTCTGCACCTTTTTGATTTTTCA[GGGTAATCA>G]GGAAGCAGCCGCTGCCCCTGACACAATGGCTCAGCCTTACGCTTCGGCCCAGTTTGCTCC-3'